The following is an entry in ClinVar:

NM_005529.7(HSPG2):c.1999-13C>T

Gene: HSPG2 (heparan sulfate proteoglycan 2; minus strand). Cytogenetic location: 1p36.12.
Variant type: single nucleotide variant.
Coding change: c.1999-13C>T on transcript NM_005529.7 (MANE Select); 13 bases into the intron before coding-DNA position 1999, C replaced by T.
Molecular consequence: intron variant.
Genome position (GRCh38, 1-based): chr1:21,880,572, G>A on the plus strand (C>T on the coding strand, the complement: HSPG2 is on the minus strand). VCF-style: chr1-21880572-G-A. GRCh37 (hg19) VCF-style: chr1-22207065-G-A.
Other names: c.2002-13C>T (NM_001291860.2).
Identifiers: ClinVar variation 295886 (VCV000295886.23), dbSNP rs77828146, ClinGen allele CA673220.
Genomic context (GRCh38, chr1:21,880,572, plus strand): 5'-CAGCTCCGCGCGCTGCACCGGCCGGCCAGACTCATGGACCCAGTGCTCCTGGGTATGGGT[G>A]AAGGTGGCAGGGGTCACACATCAGTGCCTACCCAGCCTAAATCCCCCTTTGCTCCCAGCC-3'

ClinVar aggregate classification (germline): Benign. Review status: criteria provided, multiple submitters, no conflicts (2 of 4 stars). 6 submissions from 5 submitters: Benign (6). Last evaluated 2026-02-03.

Conditions:
Lethal Kniest-like syndrome (DDSH). Also called: Dyssegmental Dysplasia. Identifiers: Orphanet 1865, MedGen C1857100, MONDO:0009140, OMIM 224410.
Schwartz-Jampel syndrome. Also called: Myotonic myopathy dwarfism chondrodystrophy and ocular and facial abnormalities. Identifiers: Orphanet 800, MedGen C0036391, MONDO:0009717.

Allele frequency attached by ClinVar (database versions not stated): 1000 Genomes Project 30x 0.00718; 1000 Genomes Project 0.00819; TOPMed 0.00900; ESP Exome Variant Server 0.01077; gnomAD 0.01100 and 0.01131; gnomAD exomes 0.01259 and 0.01448; ExAC 0.01506.
gnomAD v4.1: 22,777 of 1,612,632 alleles (1.4%); highest among the groups gnomAD compares: South Asian, 2%; 214 homozygotes.

Submissions (6):

Labcorp Genetics (formerly Invitae), Labcorp
Classification: Benign. Last evaluated: 2026-02-03. Review status: criteria provided, single submitter. Criteria: Invitae Variant Classification Sherloc (09022015). Collection method: clinical testing. Allele origin: germline.

ARUP Laboratories, Molecular Genetics and Genomics, ARUP Laboratories
Classification: Benign. Last evaluated: 2024-11-21. Review status: criteria provided, single submitter. Criteria: ARUP Molecular Germline Variant Investigation Process 2024. Collection method: clinical testing. Allele origin: germline.

GeneDx
Classification: Benign. Last evaluated: 2018-11-30. Review status: criteria provided, single submitter. Criteria: GeneDx Variant Classification Process June 2021. Collection method: clinical testing. Allele origin: germline. Affected: yes.

Illumina Laboratory Services, Illumina
Classification: Benign for Schwartz-Jampel syndrome type 1. Last evaluated: 2018-01-13. Review status: criteria provided, single submitter. Criteria: ICSL Variant Classification Criteria 13 December 2019. Collection method: clinical testing. Allele origin: germline.
Comment: This variant was observed in the ICSL laboratory as part of a predisposition screen in an ostensibly healthy population. It had not been previously curated by ICSL or reported in the Human Gene Mutation Database (HGMD: prior to June 1st, 2018), and was therefore a candidate for classification through an automated scoring system. Utilizing variant allele frequency, disease prevalence and penetrance estimates, and inheritance mode, an automated score was calculated to assess if this variant is too frequent to cause the disease. Based on the score and internal cut-off values, a variant classified as benign is not then subjected to further curation. The score for this variant resulted in a classification of benign for this disease.

Illumina Laboratory Services, Illumina
Classification: Benign for Lethal Kniest-like syndrome. Last evaluated: 2018-01-13. Review status: criteria provided, single submitter. Criteria: ICSL Variant Classification Criteria 13 December 2019. Collection method: clinical testing. Allele origin: germline.
Comment: the same text as in the submission from Illumina Laboratory Services, Illumina above.

Breakthrough Genomics
Classification: Benign. Review status: criteria provided, single submitter. Criteria: ACMG Guidelines, 2015. Collection method: not provided. Allele origin: germline. Inheritance: Autosomal recessive inheritance. Affected: yes.